The following is an entry in ClinVar:

NM_000053.4(ATP7B):c.2549C>T (p.Thr850Ile)

Gene: ATP7B (ATPase copper transporting beta; minus strand). Cytogenetic location: 13q14.3.
Variant type: single nucleotide variant.
Coding change: c.2549C>T on transcript NM_000053.4 (MANE Select); coding-DNA position 2549, C replaced by T.
Protein change: p.Thr850Ile; replaces threonine 850 with isoleucine.
Molecular consequence: missense variant.
Genome position (GRCh38, 1-based): chr13:51,950,298, G>A on the plus strand (C>T on the coding strand, the complement: ATP7B is on the minus strand). VCF-style: chr13-51950298-G-A. GRCh37 (hg19) VCF-style: chr13-52524434-G-A.
Other names: c.2063C>T, p.Thr688Ile (NM_001005918.3); c.2216C>T, p.Thr739Ile (NM_001243182.2); c.2315C>T, p.Thr772Ile (NM_001330578.2); c.2297C>T, p.Thr766Ile (NM_001330579.2); short protein forms T850I, T766I, T772I, T739I, T688I.
Identifiers: ClinVar variation 554444 (VCV000554444.29), dbSNP rs777629392, ClinGen allele CA6988979.

ClinVar aggregate classification (germline): Pathogenic/Likely pathogenic. Review status: criteria provided, multiple submitters, no conflicts (2 of 4 stars). 11 submissions from 11 submitters: Pathogenic (6); Likely pathogenic (3). 2 of the submissions do not count toward it. Last evaluated 2025-09-24.

Conditions:
Type 2 diabetes mellitus. Also called: Type II diabetes mellitus. Identifiers: MedGen C0011860, MeSH D003924, MONDO:0005148, OMIM 125853, HP:0005978.
Wilson disease (WND). Also called: Wilson's disease. Identifiers: Orphanet 905, MedGen C0019202, MONDO:0010200, OMIM 277900. Disease mechanism: loss of function.

Allele frequency attached by ClinVar (database versions not stated): gnomAD 0.00001.
gnomAD v4.1: 5 of 1,614,024 alleles (0.00031%); highest among the groups gnomAD compares: East Asian, 0.0089%; no homozygotes.

Submissions (11):

Genesolutions, Medical Genetics Institutes, Ho Chi Minh City, Vietnam
Classification: Likely pathogenic for Wilson disease. Last evaluated: 2025-09-24. Review status: criteria provided, single submitter. Criteria: ACMG Guidelines, 2015. Collection method: clinical testing. Allele origin: germline. Affected: yes.

Women's Health and Genetics/Laboratory Corporation of America, LabCorp
Classification: Pathogenic for Wilson disease. Last evaluated: 2025-07-18. Review status: criteria provided, single submitter. Criteria: LabCorp Variant Classification Summary - May 2015. Collection method: clinical testing. Allele origin: germline.
Comment: Variant summary: ATP7B c.2549C>T (p.Thr850Ile) results in a non-conservative amino acid change in the encoded protein sequence. Algorithms developed to predict the effect of missense changes on protein structure and function all suggest that this variant is likely to be disruptive. The variant allele was found at a frequency of 8e-06 in 249542 control chromosomes. c.2549C>T has been observed as a biallelic genotype in multiple individuals affected with Wilson Disease (e.g. Panichareon_2011, Xiao_2021, Zhang_2022) . These data indicate that the variant is very likely to be associated with disease. The following publications have been ascertained in the context of this evaluation (PMID: 34324271, 35220961, 21034864). ClinVar contains an entry for this variant (Variation ID: 554444). Based on the evidence outlined above, the variant was classified as pathogenic.

Labcorp Genetics (formerly Invitae), Labcorp
Classification: Pathogenic for Wilson disease. Last evaluated: 2025-03-25. Review status: criteria provided, single submitter. Criteria: Invitae Variant Classification Sherloc (09022015). Collection method: clinical testing. Allele origin: germline.
Comment: This sequence change replaces threonine, which is neutral and polar, with isoleucine, which is neutral and non-polar, at codon 850 of the ATP7B protein (p.Thr850Ile). This variant is present in population databases (rs777629392, gnomAD 0.01%). This missense change has been observed in individual(s) with Wilson disease (PMID: 21034864, 27398169, 29321352). ClinVar contains an entry for this variant (Variation ID: 554444). Invitae Evidence Modeling of protein sequence and biophysical properties (such as structural, functional, and spatial information, amino acid conservation, physicochemical variation, residue mobility, and thermodynamic stability) indicates that this missense variant is expected to disrupt ATP7B protein function with a positive predictive value of 80%. For these reasons, this variant has been classified as Pathogenic.

Natera, Inc.
Classification: Pathogenic for Wilson disease. Last evaluated: 2025-03-17. Review status: criteria provided, single submitter. Criteria: Natera Variant Classification Schema (03/2026). Collection method: clinical testing. Allele origin: germline.
Comment: The c.2549C>T variant in ATP7B is a missense variant predicted to cause substitution of threonine to isoleucine at amino acid 850. This variant is rare in the general population with a frequency below the threshold expected for the associated phenotype(s). This variant has been observed in one or more individuals affected with the associated recessive disease, as either homozygous or compound heterozygous with a second variant (PMID: 34324271, 37020998, 32289814, 21034864, 27398169). Computational prediction algorithms indicate this variant is likely to affect gene or protein function. Given the available evidence, this variant is classified as Pathogenic.

Fulgent Genetics
Classification: Pathogenic for Wilson disease. Last evaluated: 2024-04-25. Review status: criteria provided, single submitter. Criteria: ACMG Guidelines, 2015. Collection method: clinical testing. Allele origin: germline.

Baylor Genetics
Classification: Likely pathogenic for Wilson disease. Last evaluated: 2024-01-25. Review status: criteria provided, single submitter. Criteria: ACMG Guidelines, 2015. Collection method: clinical testing. Allele origin: unknown.

Color Diagnostics, LLC DBA Color Health
Classification: Pathogenic for Wilson disease. Last evaluated: 2023-09-29. Review status: criteria provided, single submitter. Criteria: ACMG Guidelines, 2015. Collection method: clinical testing. Allele origin: germline.
Comment: This missense variant replaces threonine with isoleucine at codon 850 of the ATP7B protein. Computational prediction suggests that this variant may have deleterious impact on protein structure and function. This variant alters a conserved threonine residue in the actuator domain of the ATP7B protein (a.a. 786 - 917), a highly conserved region that is considered to be important for ATP7B protein function (PMID: 35245129ClinVar). To our knowledge, functional studies have not been reported for this variant. This variant has been observed in many individuals affected with autosomal recessive Wilson disease (PMID: 21034864, 25089800, 27398169, 27706781, 29321352, 30702195, 31172689, 32289814, 33640437, 34324271, 34470610, 35257483, 35296237, 35444691, 35782615, 37020998), including in at least 5 individuals in the compound heterozygous state with a second pathogenic variant in the same gene (PMID: 30702195, 32289814, 35257483, 35296237, 37020998) and in at least 5 individuals in unknown phase with a second pathogenic variant in the same gene (PMID: 21034864, 27398169, 35296237). This variant has been identified in 2/249542 chromosomes in the general population by the Genome Aggregation Database (gnomAD). Based on the available evidence, this variant is classified as Pathogenic.

Mayo Clinic Laboratories, Mayo Clinic
Classification: Likely pathogenic. Last evaluated: 2022-10-21. Review status: criteria provided, single submitter. Criteria: ACMG Guidelines, 2015. Collection method: clinical testing. Allele origin: germline. Observed: 2 variant alleles.
Comment: PP3, PP4, PM2, PS4_moderate

Juno Genomics, Hangzhou Juno Genomics, Inc
Classification: Pathogenic for Wilson disease. Review status: criteria provided, single submitter. Criteria: ACMG Guidelines, 2015. Collection method: clinical testing. Allele origin: germline.
Comment: Absent from controls (or at extremely low frequency if recessive) in Genome Aggregation Database.;Multiple lines of computational evidence support a deleterious effect on the gene or gene product.;For recessive disorders, detected in trans with a pathogenic variant.;Co-segregation with disease in multiple affected family members.

Gene Friend Way, National Innovation Center
Classification: Likely pathogenic for Type 2 diabetes mellitus. Last evaluated: 2025-01-01. Review status: no assertion criteria provided. Collection method: clinical testing. Allele origin: unknown. Affected: yes. Observed: 1 variant allele. Not counted in ClinVar's aggregate classification.
Comment: In silico analysis suggests that this missense variant may disrupt ATP7B protein function. Research using Atp7b−/− mouse models showed that the absence of the gene leads to severe metabolic dysregulation, including altered glucose homeostasis and insulin sensitivity (PMID: 31924743).

Counsyl
Classification: Likely pathogenic for Wilson disease. Last evaluated: 2017-10-18. Review status: no assertion criteria provided. Collection method: clinical testing. Allele origin: unknown. Not counted in ClinVar's aggregate classification.

Literature cited by the submitters: PubMed 21034864 (cited by 6 submitters); PubMed 34324271 (cited by 3 submitters); PubMed 35220961 (cited by Women's Health and Genetics/Laboratory Corporation of America, LabCorp); PubMed 27398169 (cited by 5 submitters); PubMed 29321352 (cited by 3 submitters); PubMed 37020998 (cited by Natera, Inc. and Color Diagnostics, LLC DBA Color Health); PubMed 32289814 (cited by Natera, Inc. and Color Diagnostics, LLC DBA Color Health); PubMed 25089800 (cited by 3 submitters); PubMed 27706781 (cited by Color Diagnostics, LLC DBA Color Health and Mayo Clinic Laboratories, Mayo Clinic); PubMed 30702195 (cited by Color Diagnostics, LLC DBA Color Health and Mayo Clinic Laboratories, Mayo Clinic); PubMed 31172689 (cited by Color Diagnostics, LLC DBA Color Health); PubMed 33640437 (cited by Color Diagnostics, LLC DBA Color Health); PubMed 34470610 (cited by Color Diagnostics, LLC DBA Color Health); PubMed 35245129 (cited by Color Diagnostics, LLC DBA Color Health); PubMed 35257483 (cited by Color Diagnostics, LLC DBA Color Health); PubMed 35296237 (cited by Color Diagnostics, LLC DBA Color Health); PubMed 35444691 (cited by Color Diagnostics, LLC DBA Color Health); PubMed 35782615 (cited by Color Diagnostics, LLC DBA Color Health); PubMed 31924743 (cited by Gene Friend Way, National Innovation Center).